The following is an entry in ClinVar:

NM_015001.3(SPEN):c.9502C>T (p.Arg3168Ter)

Gene: SPEN (spen family transcriptional repressor; plus strand). Cytogenetic location: 1p36.13.
Variant type: single nucleotide variant.
Coding change: c.9502C>T on transcript NM_015001.3 (MANE Select); coding-DNA position 9502, C replaced by T.
Protein change: p.Arg3168Ter; replaces arginine 3168 with a stop codon.
Molecular consequence: nonsense.
Genome position (GRCh38, 1-based): chr1:15,935,742, C>T. VCF-style: chr1-15935742-C-T. GRCh37 (hg19) VCF-style: chr1-16262237-C-T.
Other names: c.9502C>T (NM_015001.2); short protein forms R3168*.
Identifiers: ClinVar variation 4076208 (VCV004076208.3).
Genomic context (GRCh38, chr1:15,935,742, plus strand): 5'-CCTGCACTGGCCTCCCAGCACCCTCCCGAGGAGGAAGTGCATTATCACCTTCCTGTCGCT[C>T]GAGCCACAGCCCCTGTGCAGTCAGAGGTACTAGTCATGCAGTCTGAGTACCGACTGCACC-3'

ClinVar aggregate classification (germline): Pathogenic/Likely pathogenic. Review status: criteria provided, multiple submitters, no conflicts (2 of 4 stars). 2 submissions from 2 submitters: Pathogenic (1); Likely pathogenic (1). Last evaluated 2026-04-07.

Conditions:
Radio-Tartaglia syndrome. Identifiers: Orphanet 662234, MedGen C5543339, MONDO:0859143, OMIM 619312.

Submissions (2):

GeneDx
Classification: Pathogenic. Last evaluated: 2026-04-07. Review status: criteria provided, single submitter. Criteria: GeneDx Variant Classification Process June 2021. Collection method: clinical testing. Allele origin: germline.
Comment: Reported in association with neurodevelopmental disorders in published literature (PMID: 33004838, 33057194, 35982159); Nonsense variant predicted to result in protein truncation or nonsense mediated decay in a gene for which loss of function is a known mechanism of disease; Not observed at significant frequency in large population cohorts (gnomAD); This variant is associated with the following publications: (PMID: 33057194, 33004838, 35982159)

Laboratorio de Genetica e Diagnostico Molecular, Hospital Israelita Albert Einstein
Classification: Likely pathogenic for Radio-Tartaglia syndrome. Last evaluated: 2024-08-26. Review status: criteria provided, single submitter. Criteria: ACMG Guidelines, 2015. Collection method: clinical testing. Allele origin: germline. Affected: yes.
Comment: ACMG classification criteria: PVS1 very strong, PM2 supporting